The following is an entry in ClinVar:

ClinVar aggregate classification (germline): Uncertain significance. Review status: criteria provided, multiple submitters, no conflicts (2 of 4 stars). 2 submissions from 2 submitters: Uncertain significance (2). Last evaluated 2024-11-14.

Conditions:
Primary ciliary dyskinesia. Also called: Ciliary dyskinesia. Identifiers: Orphanet 244, MedGen C0008780, MONDO:0016575, HP:0012265.
CCDC39-related disorder. Also called: CCDC39-related condition.

Allele frequency attached by ClinVar (database versions not stated): gnomAD 0.00001; gnomAD exomes 0.00003.
gnomAD v4.1: 40 of 1,543,954 alleles (0.0026%); highest among the groups gnomAD compares: Non-Finnish European, 0.0033%; no homozygotes.

Submissions (2):

Ambry Genetics
Classification: Uncertain significance for Primary ciliary dyskinesia. Last evaluated: 2024-11-14. Review status: criteria provided, single submitter. Criteria: Ambry Variant Classification Scheme 2023. Collection method: clinical testing. Allele origin: germline.

PreventionGenetics, part of Exact Sciences
Classification: Uncertain significance for CCDC39-related condition. Last evaluated: 2022-10-19. Review status: criteria provided, single submitter. Criteria: ACMG Guidelines, 2015. Collection method: clinical testing. Allele origin: germline.
Comment: The CCDC39 c.1639C>T variant is predicted to result in the amino acid substitution p.Leu547Phe. To our knowledge, this variant has not been reported in the literature. This variant is reported in 0.0017% of alleles in individuals of European (Non-Finnish) descent in gnomAD. At this time, the clinical significance of this variant is uncertain due to the absence of conclusive functional and genetic evidence.

NM_181426.2(CCDC39):c.1639C>T (p.Leu547Phe)

Gene: CCDC39 (coiled-coil domain 39 molecular ruler complex subunit; minus strand). Cytogenetic location: 3q26.33.
Variant type: single nucleotide variant.
Coding change: c.1639C>T on transcript NM_181426.2 (MANE Select); coding-DNA position 1639, C replaced by T.
Protein change: p.Leu547Phe; replaces leucine 547 with phenylalanine.
Molecular consequence: missense variant.
Genome position (GRCh38, 1-based): chr3:180,644,146, G>A on the plus strand (C>T on the coding strand, the complement: CCDC39 is on the minus strand). VCF-style: chr3-180644146-G-A. GRCh37 (hg19) VCF-style: chr3-180361934-G-A.
Other names: short protein forms L547F.
Identifiers: ClinVar variation 1776990 (VCV001776990.4), dbSNP rs912751506, ClinGen allele CA88642684.